The following is an entry in ClinVar:

NM_001283009.2(RTEL1):c.2137C>G (p.His713Asp)

Genes: RTEL1 (regulator of telomere elongation helicase 1; plus strand), RTEL1-TNFRSF6B (RTEL1-TNFRSF6B readthrough (NMD candidate); plus strand). Cytogenetic location: 20q13.33.
Variant type: single nucleotide variant.
Coding change: c.2137C>G on transcript NM_001283009.2 (MANE Select); coding-DNA position 2137, C replaced by G.
Protein change: p.His713Asp; replaces histidine 713 with aspartic acid.
Molecular consequence: missense variant. On other transcripts: non-coding transcript variant (1).
Genome position (GRCh38, 1-based): chr20:63,689,861, C>G. VCF-style: chr20-63689861-C-G. GRCh37 (hg19) VCF-style: chr20-62321214-C-G.
Other names: c.1468C>G, p.His490Asp (NM_001283010.1); c.2137C>G, p.His713Asp (NM_016434.4); c.2209C>G, p.His737Asp (NM_032957.5); short protein forms H737D, H490D, H713D.
Identifiers: ClinVar variation 1422317 (VCV001422317.6), dbSNP rs2145429206, ClinGen allele CA409679439.

ClinVar aggregate classification (germline): Uncertain significance. Review status: criteria provided, multiple submitters, no conflicts (2 of 4 stars). 2 submissions from 2 submitters: Uncertain significance (2). Last evaluated 2025-03-05.

Conditions:
Pulmonary fibrosis and/or bone marrow failure, Telomere-related, 3. Also called: PULMONARY FIBROSIS AND/OR BONE MARROW FAILURE SYNDROME, TELOMERE-RELATED, 3. Identifiers: Orphanet 2032, MedGen C4225346, MONDO:0014613, OMIM 616373.
Dyskeratosis congenita, autosomal recessive 5 (DKCB5). Identifiers: MedGen C3554656, MONDO:0014076, OMIM 615190.
Inborn genetic diseases. Identifiers: MedGen C0950123, MeSH D030342.

Submissions (2):

Ambry Genetics
Classification: Uncertain significance for Inborn genetic diseases. Last evaluated: 2025-03-05. Review status: criteria provided, single submitter. Criteria: Ambry Variant Classification Scheme 2023. Collection method: clinical testing. Allele origin: germline.
Comment: The p.H713D variant (also known as c.2137C>G), located in coding exon 23 of the RTEL1 gene, results from a C to G substitution at nucleotide position 2137. The histidine at codon 713 is replaced by aspartic acid, an amino acid with similar properties. This amino acid position is conserved. In addition, this alteration is predicted to be deleterious by in silico analysis. Based on the available evidence, the clinical significance of this variant remains unclear.

Labcorp Genetics (formerly Invitae), Labcorp
Classification: Uncertain significance for Dyskeratosis congenita, autosomal recessive 5; Pulmonary fibrosis and/or bone marrow failure, Telomere-related, 3. Last evaluated: 2021-09-01. Review status: criteria provided, single submitter. Criteria: Invitae Variant Classification Sherloc (09022015). Collection method: clinical testing. Allele origin: germline.
Comment: This sequence change replaces histidine with aspartic acid at codon 713 of the RTEL1 protein (p.His713Asp). The histidine residue is moderately conserved and there is a moderate physicochemical difference between histidine and aspartic acid. This variant is not present in population databases (ExAC no frequency). This variant has not been reported in the literature in individuals affected with RTEL1-related conditions. Algorithms developed to predict the effect of missense changes on protein structure and function (SIFT, PolyPhen-2, Align-GVGD) all suggest that this variant is likely to be tolerated. In summary, the available evidence is currently insufficient to determine the role of this variant in disease. Therefore, it has been classified as a Variant of Uncertain Significance.